The following is an entry in ClinVar:

NM_002382.5(MAX):c.462G>T (p.Lys154Asn)

Gene: MAX (MYC associated transcriptional regulator X; minus strand). Cytogenetic location: 14q23.3.
Variant type: single nucleotide variant.
Coding change: c.462G>T on transcript NM_002382.5 (MANE Select); coding-DNA position 462, G replaced by T.
Protein change: p.Lys154Asn; replaces lysine 154 with asparagine.
Molecular consequence: missense variant. On other transcripts: 3 prime UTR variant (12), non-coding transcript variant (7), intron variant (2).
Genome position (GRCh38, 1-based): chr14:65,076,497, C>A on the plus strand (G>T on the coding strand, the complement: MAX is on the minus strand). VCF-style: chr14-65076497-C-A. GRCh37 (hg19) VCF-style: chr14-65543215-C-A.
Other names: c.273G>T, p.Lys91Asn (NM_001320415.2, NM_001407105.1, NM_001407106.1 and 1 more transcripts); c.462G>T, p.Lys154Asn (NM_001407094.1); c.435G>T, p.Lys145Asn (NM_001407095.1, NM_145112.3); c.*235G>T (NM_001407096.1, NM_001407099.1, NM_001407102.1 and 2 more transcripts); c.*251G>T (NM_001407097.1, NM_001407100.1, NM_001407101.1 and 4 more transcripts); c.354G>T, p.Lys118Asn (NM_001407098.1); c.261G>T, p.Lys87Asn (NM_001407111.1, NM_001407112.1); c.144+17211G>T (NM_001271069.2); and 1 more; short protein forms K154N, K87N, K145N, K118N, K91N.
Identifiers: ClinVar variation 5023932 (VCV005023932.1).
Genomic context (GRCh38, chr14:65,076,497, plus strand): 5'-GAGACAGACAGTTTTTATTGCTGGCCTGCCCCGAGTGGCTTAGCTGGCCTCCATCCGGAG[C>A]TTCTTCCTGCTTTGGGGCTCTTCAGGCTCAGACTCCGAGCTGGAGTCCGAGCCCCCATCG-3'
Protein context (NP_002373.3, residues 144-160): SEPEEPQSRK[Lys154Asn]LRMEAS

ClinVar aggregate classification (germline): Uncertain significance (1 of 4 stars; one submission).

Conditions:
Hereditary cancer-predisposing syndrome. Also called: Neoplastic Syndromes, Hereditary; Tumor predisposition; Hereditary neoplastic syndrome; Hereditary Cancer Syndrome. Identifiers: Orphanet 140162, MedGen C0027672, MeSH D009386, MONDO:0015356.

Submission:

Ambry Genetics
Classification: Uncertain significance for Hereditary cancer-predisposing syndrome. Last evaluated: 2026-07-07. Review status: criteria provided, single submitter. Criteria: Ambry Variant Classification Scheme 2023. Collection method: clinical testing. Allele origin: germline.
Comment: The p.K154N variant (also known as c.462G>T), located in coding exon 5 of the MAX gene, results from a G to T substitution at nucleotide position 462. The lysine at codon 154 is replaced by asparagine, an amino acid with similar properties. This amino acid position is conserved. In addition, the in silico prediction for this alteration is inconclusive. Based on the available evidence, the clinical significance of this variant remains unclear.